The following is an entry in ClinVar:

NM_001849.4(COL6A2):c.196C>T (p.Leu66=)

Gene: COL6A2 (collagen type VI alpha 2 chain; plus strand). Cytogenetic location: 21q22.3.
Variant type: single nucleotide variant.
Coding change: c.196C>T on transcript NM_001849.4 (MANE Select); coding-DNA position 196, C replaced by T.
Protein change: p.Leu66=; no amino-acid change (leucine 66 retained).
Molecular consequence: synonymous variant.
Genome position (GRCh38, 1-based): chr21:46,112,059, C>T. VCF-style: chr21-46112059-C-T. GRCh37 (hg19) VCF-style: chr21-47531973-C-T.
Other names: c.196C>T, p.Leu66= (NM_058174.3, NM_058175.3).
Identifiers: ClinVar variation 1160726 (VCV001160726.23), dbSNP rs201055113, ClinGen allele CA10071229.

ClinVar aggregate classification (germline): Likely benign. Review status: criteria provided, multiple submitters, no conflicts (2 of 4 stars). 3 submissions from 3 submitters: Likely benign (3). Last evaluated 2025-08-08.

Conditions:
Bethlem myopathy 1A. Also called: Bethlem myopathy 1; Bethlem Muscular Dystrophy; MYOPATHY, BENIGN CONGENITAL, WITH CONTRACTURES. Identifiers: Orphanet 610, MedGen CN029274, MONDO:0024530, OMIM 158810.

Allele frequency attached by ClinVar (database versions not stated): gnomAD exomes 0.00003; ExAC 0.00004; TOPMed 0.00004; gnomAD 0.00006; ESP Exome Variant Server 0.00015.
gnomAD v4.1: 47 of 1,613,056 alleles (0.0029%); highest among the groups gnomAD compares: Non-Finnish European, 0.0038%; no homozygotes.

Submissions (3):

Labcorp Genetics (formerly Invitae), Labcorp
Classification: Likely benign for Bethlem myopathy 1A. Last evaluated: 2025-08-08. Review status: criteria provided, single submitter. Criteria: Invitae Variant Classification Sherloc (09022015). Collection method: clinical testing. Allele origin: germline.

CeGaT Center for Human Genetics Tuebingen
Classification: Likely benign. Last evaluated: 2024-12-01. Review status: criteria provided, single submitter. Criteria: CeGaT Center For Human Genetics Tuebingen Variant Classification Criteria Version 2. Collection method: clinical testing. Allele origin: germline. Affected: yes. Observed: 1 variant allele.
Comment: COL6A2: BP4

Blueprint Genetics
Classification: Likely benign. Last evaluated: 2024-10-24. Review status: criteria provided, single submitter. Criteria: ACMG Guidelines, 2015. Collection method: clinical testing. Allele origin: germline.